The following is an entry in ClinVar:

ClinVar aggregate classification (germline): Uncertain significance (1 of 4 stars; one submission).

Conditions:
Amyloidosis, hereditary systemic 1 (AMYLD1). Also called: Familial amyloid polyneuropathy; Transthyretin Amyloidosis; Hereditary oculoleptomeningeal amyloid angiopathy; Familial Transthyretin Amyloidosis; Isolated Cardiac Amyloidosis; Amyloid Cardiomyopathy, Transthyretin-related. Identifiers: Orphanet 85447, Orphanet 85451, MedGen C2751492, MONDO:0971004, OMIM 105210.

gnomAD v4.1: 1 of 1,614,028 alleles (0.000062%); highest among the groups gnomAD compares: Non-Finnish European, 0.000085%; no homozygotes.

Submission:

Labcorp Genetics (formerly Invitae), Labcorp
Classification: Uncertain significance for Amyloidosis, hereditary systemic 1. Last evaluated: 2024-10-20. Review status: criteria provided, single submitter. Criteria: Invitae Variant Classification Sherloc (09022015). Collection method: clinical testing. Allele origin: germline.
Comment: This sequence change falls in intron 1 of the TTR gene. It does not directly change the encoded amino acid sequence of the TTR protein. It affects a nucleotide within the consensus splice site. This variant is not present in population databases (gnomAD no frequency). This variant has not been reported in the literature in individuals affected with TTR-related conditions. Variants that disrupt the consensus splice site are a relatively common cause of aberrant splicing (PMID: 17576681, 9536098). Algorithms developed to predict the effect of sequence changes on RNA splicing suggest that this variant may disrupt the consensus splice site. In summary, the available evidence is currently insufficient to determine the role of this variant in disease. Therefore, it has been classified as a Variant of Uncertain Significance.

Literature cited by the submitters: PubMed 17576681; PubMed 9536098.

NM_000371.4(TTR):c.69+4A>T

Gene: TTR (transthyretin; plus strand). Cytogenetic location: 18q12.1.
Variant type: single nucleotide variant.
Coding change: c.69+4A>T on transcript NM_000371.4 (MANE Select); 4 bases into the intron after coding-DNA position 69, A replaced by T.
Molecular consequence: intron variant.
Genome position (GRCh38, 1-based): chr18:31,591,975, A>T. VCF-style: chr18-31591975-A-T. GRCh37 (hg19) VCF-style: chr18-29171938-A-T.
Identifiers: ClinVar variation 3708211 (VCV003708211.2).